The following is an entry in ClinVar:

ClinVar aggregate classification (germline): Uncertain significance (1 of 4 stars; one submission).

Submission:

GeneDx
Classification: Uncertain significance. Last evaluated: 2026-03-21. Review status: criteria provided, single submitter. Criteria: GeneDx Variant Classification Process June 2021. Collection method: clinical testing. Allele origin: germline.
Comment: Not observed at significant frequency in large population cohorts (gnomAD); In silico analysis supports that this missense variant has a deleterious effect on protein structure/function; Has not been previously published as pathogenic or benign to our knowledge

NM_006516.4(SLC2A1):c.1364C>T (p.Thr455Ile)

Gene: SLC2A1 (solute carrier family 2 member 1; minus strand). Cytogenetic location: 1p34.2.
Variant type: single nucleotide variant.
Coding change: c.1364C>T on transcript NM_006516.4 (MANE Select); coding-DNA position 1364, C replaced by T.
Protein change: p.Thr455Ile; replaces threonine 455 with isoleucine.
Molecular consequence: missense variant.
Genome position (GRCh38, 1-based): chr1:42,927,156, G>A on the plus strand (C>T on the coding strand, the complement: SLC2A1 is on the minus strand). VCF-style: chr1-42927156-G-A. GRCh37 (hg19) VCF-style: chr1-43392827-G-A.
Other names: short protein forms T455I.
Identifiers: ClinVar variation 5009590 (VCV005009590.1).
Genomic context (GRCh38, chr1:42,927,156, plus strand): 5'-CTTTGGCTGGCTCCCCCCTGCCGGAAGCCGGAAGCGATCTCATCGAAGGTCCGGCCTTTA[G>A]TCTCAGGAACTTTGAAGTAGGTGAAGATGAAGAACAGAACCAGGAGCACAGTGAAGATGA-3'
Protein context (NP_006507.2, residues 445-465): FIFTYFKVPE[Thr455Ile]KGRTFDEIAS